The following is an entry in ClinVar:

ClinVar aggregate classification (germline): Benign/Likely benign. Review status: criteria provided, multiple submitters, no conflicts (2 of 4 stars). 4 submissions from 4 submitters: Benign (1); Likely benign (3). Last evaluated 2026-08-03.

Conditions:
Familial colorectal cancer type X. Identifiers: Orphanet 440437, MedGen C3896578, MONDO:0018604.

gnomAD v4.1: 53 of 1,613,134 alleles (0.0033%); highest among the groups gnomAD compares: South Asian, 0.053%; no homozygotes.

Submissions (4):

Myriad Genetics, Inc.
Classification: Benign for Familial colorectal cancer type X. Last evaluated: 2026-08-03. Review status: criteria provided, single submitter. Criteria: Myriad Autosomal Dominant, Autosomal Recessive and X-Linked Classification Criteria (2023). Collection method: clinical testing. Allele origin: unknown.
Comment: This variant is considered benign. This variant is a silent/synonymous amino acid change and it is not expected to impact splicing.

Center for Genomic Medicine, Rigshospitalet, Copenhagen University Hospital
Classification: Likely benign. Last evaluated: 2025-03-04. Review status: criteria provided, single submitter. Criteria: ACMG Guidelines, 2015. Collection method: clinical testing. Allele origin: germline.

Labcorp Genetics (formerly Invitae), Labcorp
Classification: Likely benign. Last evaluated: 2023-08-24. Review status: criteria provided, single submitter. Criteria: Invitae Variant Classification Sherloc (09022015). Collection method: clinical testing. Allele origin: germline.

Ambry Genetics
Classification: Likely benign. Last evaluated: 2022-03-24. Review status: criteria provided, single submitter. Criteria: Ambry Variant Classification Scheme 2023. Collection method: clinical testing. Allele origin: germline.

NM_001023.4(RPS20):c.30C>T (p.Pro10=)

Gene: RPS20 (ribosomal protein S20; minus strand). Cytogenetic location: 8q12.1.
Variant type: single nucleotide variant.
Coding change: c.30C>T on transcript NM_001023.4 (MANE Select); coding-DNA position 30, C replaced by T.
Protein change: p.Pro10=; no amino-acid change (proline 10 retained).
Molecular consequence: synonymous variant.
Genome position (GRCh38, 1-based): chr8:56,074,133, G>A on the plus strand (C>T on the coding strand, the complement: RPS20 is on the minus strand). VCF-style: chr8-56074133-G-A. GRCh37 (hg19) VCF-style: chr8-56986692-G-A.
Other names: c.30C>T, p.Pro10= (NM_001146227.3).
Identifiers: ClinVar variation 1727609 (VCV001727609.9), dbSNP rs773291256, ClinGen allele CA4754467.